The following is an entry in ClinVar:

NM_017613.4(DONSON):c.1373C>G (p.Thr458Arg)

Gene: DONSON (DNA replication fork stabilization factor DONSON; minus strand). Cytogenetic location: 21q22.11.
Variant type: single nucleotide variant.
Coding change: c.1373C>G on transcript NM_017613.4 (MANE Select); coding-DNA position 1373, C replaced by G.
Protein change: p.Thr458Arg; replaces threonine 458 with arginine.
Molecular consequence: missense variant.
Genome position (GRCh38, 1-based): chr21:33,579,540, G>C on the plus strand (C>G on the coding strand, the complement: DONSON is on the minus strand). VCF-style: chr21-33579540-G-C. GRCh37 (hg19) VCF-style: chr21-34951846-G-C.
Other names: short protein forms T458R.
Identifiers: ClinVar variation 2862554 (VCV002862554.3), dbSNP rs1331621368, ClinGen allele CA410131876.
Genomic context (GRCh38, chr21:33,579,540, plus strand): 5'-GGCATGATAGGACCTGTAATCTCCAAACTAAATTGGTCTCTGTATCCAGAAAGAGCTTGT[G>C]TCTTCACATTCACACTCCGTGCCTTCATGAAAATGTAAAGAAAAGGAAAATTAAGATCAT-3'
Protein context (NP_060083.1, residues 448-468): MLKARSVNVK[Thr458Arg]QALSGYRDQF

ClinVar aggregate classification (germline): Uncertain significance (1 of 4 stars; one submission).

Allele frequency attached by ClinVar (database versions not stated): gnomAD exomes below 0.00001; TOPMed below 0.00001.

Submission:

Labcorp Genetics (formerly Invitae), Labcorp
Classification: Uncertain significance. Last evaluated: 2023-05-07. Review status: criteria provided, single submitter. Criteria: Invitae Variant Classification Sherloc (09022015). Collection method: clinical testing. Allele origin: germline.
Comment: In summary, the available evidence is currently insufficient to determine the role of this variant in disease. Therefore, it has been classified as a Variant of Uncertain Significance. An algorithm developed to predict the effect of missense changes on protein structure and function (PolyPhen-2) suggests that this variant is likely to be tolerated. This variant has not been reported in the literature in individuals affected with DONSON-related conditions. This variant is present in population databases (no rsID available, gnomAD 0.0009%). This sequence change replaces threonine, which is neutral and polar, with arginine, which is basic and polar, at codon 458 of the DONSON protein (p.Thr458Arg).